The following is an entry in ClinVar:

ClinVar aggregate classification (germline): Uncertain significance. Review status: criteria provided, multiple submitters, no conflicts (2 of 4 stars). 2 submissions from 2 submitters: Uncertain significance (2). Last evaluated 2024-10-29.

Allele frequency attached by ClinVar (database versions not stated): TOPMed 0.00001.
gnomAD v4.1: 3 of 1,208,894 alleles (0.00025%); highest among the groups gnomAD compares: Non-Finnish European, 0.00034%; no homozygotes.

Submissions (2):

Ambry Genetics
Classification: Uncertain significance. Last evaluated: 2024-10-29. Review status: criteria provided, single submitter. Criteria: Ambry Variant Classification Scheme 2023. Collection method: clinical testing. Allele origin: germline.

GeneDx
Classification: Uncertain significance. Last evaluated: 2019-05-24. Review status: criteria provided, single submitter. Criteria: GeneDx Variant Classification Process June 2021. Collection method: clinical testing. Allele origin: germline. Affected: yes.
Comment: Has not been previously published as pathogenic or benign to our knowledge; Not observed in large population cohorts (Lek et al., 2016); In silico analysis, which includes protein predictors and evolutionary conservation, supports that this variant does not alter protein structure/function

NM_014467.3(SRPX2):c.1135A>G (p.Ile379Val)

Gene: SRPX2 (sushi repeat containing protein X-linked 2; plus strand). Cytogenetic location: Xq22.1.
Variant type: single nucleotide variant.
Coding change: c.1135A>G on transcript NM_014467.3 (MANE Select); coding-DNA position 1135, A replaced by G.
Protein change: p.Ile379Val; replaces isoleucine 379 with valine.
Molecular consequence: missense variant.
Genome position (GRCh38, 1-based): chrX:100,669,287, A>G. VCF-style: chrX-100669287-A-G. GRCh37 (hg19) VCF-style: chrX-99924284-A-G.
Other names: short protein forms I379V.
Identifiers: ClinVar variation 1304612 (VCV001304612.3), dbSNP rs1185487539, ClinGen allele CA413915596.